The following is an entry in ClinVar:

ClinVar aggregate classification (germline): Uncertain significance. Review status: criteria provided, multiple submitters, no conflicts (2 of 4 stars). 2 submissions from 2 submitters: Uncertain significance (2). Last evaluated 2022-12-23.

Conditions:
Hereditary cancer-predisposing syndrome. Also called: Hereditary neoplastic syndrome; Neoplastic Syndromes, Hereditary; Tumor predisposition; Hereditary Cancer Syndrome. Identifiers: Orphanet 140162, MedGen C0027672, MeSH D009386, MONDO:0015356.

Allele frequency attached by ClinVar (database versions not stated): gnomAD exomes below 0.00001.
gnomAD v4.1: 1 of 1,611,048 alleles (0.000062%); highest among the groups gnomAD compares: Non-Finnish European, 0.000085%; no homozygotes.

Submissions (2):

Ambry Genetics
Classification: Uncertain significance for Hereditary cancer-predisposing syndrome. Last evaluated: 2022-12-23. Review status: criteria provided, single submitter. Criteria: Ambry Variant Classification Scheme 2023. Collection method: clinical testing. Allele origin: germline.
Comment: The p.L706P variant (also known as c.2117T>C), located in coding exon 15 of the MSH3 gene, results from a T to C substitution at nucleotide position 2117. The leucine at codon 706 is replaced by proline, an amino acid with similar properties. This amino acid position is conserved. In addition, this alteration is predicted to be deleterious by in silico analysis. Since supporting evidence is limited at this time, the clinical significance of this alteration remains unclear.

Labcorp Genetics (formerly Invitae), Labcorp
Classification: Uncertain significance. Last evaluated: 2019-06-19. Review status: criteria provided, single submitter. Criteria: Invitae Variant Classification Sherloc (09022015). Collection method: clinical testing. Allele origin: germline.
Comment: Algorithms developed to predict the effect of missense changes on protein structure and function are either unavailable or do not agree on the potential impact of this missense change (SIFT: "Deleterious"; PolyPhen-2: "Possibly Damaging"; Align-GVGD: "Class C0"). This variant has not been reported in the literature in individuals with MSH3-related conditions. This variant is not present in population databases (ExAC no frequency). This sequence change replaces leucine with proline at codon 706 of the MSH3 protein (p.Leu706Pro). The leucine residue is moderately conserved and there is a moderate physicochemical difference between leucine and proline. In summary, the available evidence is currently insufficient to determine the role of this variant in disease. Therefore, it has been classified as a Variant of Uncertain Significance.

NM_002439.5(MSH3):c.2117T>C (p.Leu706Pro)

Gene: MSH3 (mutS homolog 3; plus strand). Cytogenetic location: 5q14.1.
Variant type: single nucleotide variant.
Coding change: c.2117T>C on transcript NM_002439.5 (MANE Select); coding-DNA position 2117, T replaced by C.
Protein change: p.Leu706Pro; replaces leucine 706 with proline.
Molecular consequence: missense variant.
Genome position (GRCh38, 1-based): chr5:80,768,867, T>C. VCF-style: chr5-80768867-T-C. GRCh37 (hg19) VCF-style: chr5-80064686-T-C.
Other names: c.2117T>C (NM_002439.3); short protein forms L706P.
Identifiers: ClinVar variation 949564 (VCV000949564.11), dbSNP rs1744168726, ClinGen allele CA360279278.